The following is an entry in ClinVar:

ClinVar aggregate classification (germline): Uncertain significance (1 of 4 stars; one submission).

Allele frequency attached by ClinVar (database versions not stated): 1000 Genomes Project 0.00020.
gnomAD v4.1: 43 of 700,058 alleles (0.0061%); highest among the groups gnomAD compares: Admixed American, 0.01%; no homozygotes.

Submission:

Labcorp Genetics (formerly Invitae), Labcorp
Classification: Uncertain significance. Last evaluated: 2022-05-17. Review status: criteria provided, single submitter. Criteria: Invitae Variant Classification Sherloc (09022015). Collection method: clinical testing. Allele origin: germline.
Comment: This variant occurs in the RNU4ATAC gene, which encodes an RNA molecule that does not result in a protein product. This variant is present in population databases (rs572870823, gnomAD 0.05%). This variant has not been reported in the literature in individuals affected with RNU4ATAC-related conditions. Studies have shown that this variant does not significantly alter or has an unclear effect on RNU4ATAC gene expression (PMID: 32628740). In summary, the available evidence is currently insufficient to determine the role of this variant in disease. Therefore, it has been classified as a Variant of Uncertain Significance.

Literature cited by the submitters: PubMed 32628740.

NC_000002.12:g.121530986T>C

Genes: CLASP1 (cytoplasmic linker associated protein 1; minus strand), CLASP1-AS1 (CLASP1 antisense RNA 1; plus strand), RNU4ATAC (RNA, U4atac small nuclear; plus strand). Cytogenetic location: 2q14.2.
Variant type: single nucleotide variant.
Molecular consequence: intron variant (on NM_001395891.1).
Genome position: GRCh38 VCF-style: chr2-121530986-T-C. GRCh37 (hg19) VCF-style: chr2-122288562-T-C.
Other names: c.196-661A>G (NM_001142274.2, NM_015282.3, NM_001378003.1 and 5 more transcripts).
Identifiers: ClinVar variation 1462516 (VCV001462516.5), dbSNP rs572870823, ClinGen allele CA1854744.